The following is an entry in ClinVar:

ClinVar aggregate classification (germline): Uncertain significance (1 of 4 stars; one submission).

Allele frequency attached by ClinVar (database versions not stated): gnomAD exomes below 0.00001; ExAC 0.00002; TOPMed 0.00003; gnomAD 0.00004; ESP Exome Variant Server 0.00008; 1000 Genomes Project 30x 0.00016; 1000 Genomes Project 0.00020.
gnomAD v4.1: 12 of 1,614,108 alleles (0.00074%); highest among the groups gnomAD compares: African/African-American, 0.016%; no homozygotes.

Submission:

Ambry Genetics
Classification: Uncertain significance. Last evaluated: 2023-02-05. Review status: criteria provided, single submitter. Criteria: Ambry Variant Classification Scheme 2023. Collection method: clinical testing. Allele origin: germline.
Comment: The p.G372D variant (also known as c.1115G>A), located in coding exon 3 of the ALPK2 gene, results from a G to A substitution at nucleotide position 1115. The glycine at codon 372 is replaced by aspartic acid, an amino acid with similar properties. This amino acid position is conserved. In addition, the in silico prediction for this alteration is inconclusive. Since supporting evidence is limited at this time, the clinical significance of this alteration remains unclear.

NM_052947.4(ALPK2):c.1115G>A (p.Gly372Asp)

Genes: ALPK2 (alpha kinase 2; minus strand), LOC114803473 (ALPK2 eExon liver enhancer; plus strand). Cytogenetic location: 18q21.31.
Variant type: single nucleotide variant.
Coding change: c.1115G>A on transcript NM_052947.4 (MANE Select); coding-DNA position 1115, G replaced by A.
Protein change: p.Gly372Asp; replaces glycine 372 with aspartic acid.
Molecular consequence: missense variant.
Genome position (GRCh38, 1-based): chr18:58,579,661, C>T on the plus strand (G>A on the coding strand, the complement: ALPK2 is on the minus strand). VCF-style: chr18-58579661-C-T. GRCh37 (hg19) VCF-style: chr18-56246893-C-T.
Other names: short protein forms G372D.
Identifiers: ClinVar variation 2497238 (VCV002497238.2), dbSNP rs373542550, ClinGen allele CA8977319.